The following is an entry in ClinVar:

ClinVar aggregate classification (germline): Uncertain significance. Review status: criteria provided, multiple submitters, no conflicts (2 of 4 stars). 2 submissions from 2 submitters: Uncertain significance (2). Last evaluated 2025-05-18.

Conditions:
Koolen-de Vries syndrome (KDVS). Identifiers: Orphanet 96169, MedGen C1864871, MONDO:0012496, OMIM 610443.

Allele frequency attached by ClinVar (database versions not stated): gnomAD exomes below 0.00001.
gnomAD v4.1: 2 of 1,608,590 alleles (0.00012%); highest among the groups gnomAD compares: Non-Finnish European, 0.00017%; no homozygotes.

Submissions (2):

Labcorp Genetics (formerly Invitae), Labcorp
Classification: Uncertain significance for Koolen-de Vries syndrome. Last evaluated: 2025-05-18. Review status: criteria provided, single submitter. Criteria: Invitae Variant Classification Sherloc (09022015). Collection method: clinical testing. Allele origin: germline.
Comment: This sequence change replaces histidine, which is basic and polar, with arginine, which is basic and polar, at codon 529 of the KANSL1 protein (p.His529Arg). This variant is not present in population databases (gnomAD no frequency). This variant has not been reported in the literature in individuals affected with KANSL1-related conditions. ClinVar contains an entry for this variant (Variation ID: 1175914). Invitae Evidence Modeling of protein sequence and biophysical properties (such as structural, functional, and spatial information, amino acid conservation, physicochemical variation, residue mobility, and thermodynamic stability) indicates that this missense variant is not expected to disrupt KANSL1 protein function with a negative predictive value of 80%. In summary, the available evidence is currently insufficient to determine the role of this variant in disease. Therefore, it has been classified as a Variant of Uncertain Significance.

CeGaT Center for Human Genetics Tuebingen
Classification: Uncertain significance. Last evaluated: 2021-04-01. Review status: criteria provided, single submitter. Criteria: CeGaT Center For Human Genetics Tuebingen Variant Classification Criteria Version 2. Collection method: clinical testing. Allele origin: germline. Affected: yes. Observed: 1 variant allele.

NM_015443.4(KANSL1):c.1586A>G (p.His529Arg)

Gene: KANSL1 (KAT8 regulatory NSL complex subunit 1). Cytogenetic location: 17q21.31.
Variant type: single nucleotide variant.
Coding change: c.1586A>G on transcript NM_015443.4 (MANE Select); coding-DNA position 1586, A replaced by G.
Protein change: p.His529Arg; replaces histidine 529 with arginine.
Molecular consequence: missense variant.
Genome position (GRCh38, 1-based): chr17:46,067,615, T>C on the plus strand (A>G on the coding strand, the complement: KANSL1 is on the minus strand). VCF-style: chr17-46067615-T-C. GRCh37 (hg19) VCF-style: chr17-44144981-T-C.
Other names: c.1586A>G, p.His529Arg (NM_001193465.2, NM_001193466.2, NM_001379198.1); short protein forms H529R.
Identifiers: ClinVar variation 1175914 (VCV001175914.36), dbSNP rs2078428545, ClinGen allele CA399987630.